The following is an entry in ClinVar:

NM_001754.5(RUNX1):c.85A>G (p.Arg29Gly)

Gene: RUNX1 (RUNX family transcription factor 1; minus strand). Cytogenetic location: 21q22.12.
Variant type: single nucleotide variant.
Coding change: c.85A>G on transcript NM_001754.5 (MANE Select); coding-DNA position 85, A replaced by G.
Protein change: p.Arg29Gly; replaces arginine 29 with glycine.
Molecular consequence: missense variant.
Genome position (GRCh38, 1-based): chr21:34,892,937, T>C on the plus strand (A>G on the coding strand, the complement: RUNX1 is on the minus strand). VCF-style: chr21-34892937-T-C. GRCh37 (hg19) VCF-style: chr21-36265234-T-C.
Other names: NM_001754.5(RUNX1):c.85A>G; p.Arg29Gly; c.85A>G (NM_001754.4); short protein forms R29G.
Identifiers: ClinVar variation 1025166 (VCV001025166.10), dbSNP rs1170323520, ClinGen allele CA410205692.

ClinVar aggregate classification (germline): Uncertain significance. Review status: reviewed by expert panel (3 of 4 stars). 3 submissions from 3 submitters: Uncertain significance (1). 2 of the submissions do not count toward it. Last evaluated 2024-07-17.

Conditions:
Inborn genetic diseases. Identifiers: MedGen C0950123, MeSH D030342.
Hereditary thrombocytopenia and hematologic cancer predisposition syndrome. Identifiers: Orphanet 71290, MedGen CN281654, MONDO:0011071.
Hereditary thrombocytopenia and hematological cancer predisposition syndrome associated with RUNX1. Also called: Familial thrombocytopenia with propensity to acute myelogenous leukemia; PLATELET DISORDER, ASPIRIN-LIKE; RUNX1 Familial Platelet Disorder with Associated Myeloid Malignancies; Familial Platelet Disorder with Propensity to Acute Myelogenous Leukemia. Identifiers: Orphanet 71290, MedGen C1832388, MeSH C563324, MONDO:0100083, OMIM 601399.

Allele frequency attached by ClinVar (database versions not stated): gnomAD exomes below 0.00001; TOPMed below 0.00001; gnomAD 0.00001.

Submissions (3):

ClinGen Myeloid Malignancy Variant Curation Expert Panel
Classification: Uncertain significance for Hereditary thrombocytopenia and hematologic cancer predisposition syndrome. Last evaluated: 2024-07-17. Review status: reviewed by expert panel. Criteria: ClinGen MyeloMalig ACMG Specifications v2. Collection method: curation. Allele origin: germline. Inheritance: Autosomal dominant inheritance.
Comment: NM_001754.5(RUNX1):c.85A>G (p.Arg29Gly) is a missense variant which has a REVEL score of 0.377 (BP4). In summary, the clinical significance of this variant is uncertain. ACMG/AMP criteria applied, as specified by the Myeloid Malignancy Variant Curation Expert Panel for RUNX1: BP4.

Ambry Genetics
Classification: Uncertain significance for Inborn genetic diseases. Last evaluated: 2025-02-23. Review status: criteria provided, single submitter. Criteria: Ambry Variant Classification Scheme 2023. Collection method: clinical testing. Allele origin: germline. Not counted in ClinVar's aggregate classification.
Comment: The p.R29G variant (also known as c.85A>G), located in coding exon 2 of the RUNX1 gene, results from an A to G substitution at nucleotide position 85. The arginine at codon 29 is replaced by glycine, an amino acid with dissimilar properties. This amino acid position is conserved. In addition, the in silico prediction for this alteration is inconclusive. Based on the available evidence, the clinical significance of this variant remains unclear.

Labcorp Genetics (formerly Invitae), Labcorp
Classification: Uncertain significance for Hereditary thrombocytopenia and hematological cancer predisposition syndrome associated with RUNX1. Last evaluated: 2021-12-23. Review status: criteria provided, single submitter. Criteria: Invitae Variant Classification Sherloc (09022015). Collection method: clinical testing. Allele origin: germline. Not counted in ClinVar's aggregate classification.
Comment: This sequence change replaces arginine, which is basic and polar, with glycine, which is neutral and non-polar, at codon 29 of the RUNX1 protein (p.Arg29Gly). This variant is not present in population databases (gnomAD no frequency). This variant has not been reported in the literature in individuals affected with RUNX1-related conditions. ClinVar contains an entry for this variant (Variation ID: 1025166). Algorithms developed to predict the effect of missense changes on protein structure and function (SIFT, PolyPhen-2, Align-GVGD) all suggest that this variant is likely to be tolerated. In summary, the available evidence is currently insufficient to determine the role of this variant in disease. Therefore, it has been classified as a Variant of Uncertain Significance.